The following is an entry in ClinVar:

ClinVar aggregate classification (germline): Conflicting classifications of pathogenicity. Review status: criteria provided, conflicting classifications (1 of 4 stars). 2 submissions from 2 submitters: Uncertain significance (1); Likely benign (1). Last evaluated 2025-12-10.

Conditions:
RP1L1-related disorder. Also called: RP1L1-related condition.
Inborn genetic diseases. Identifiers: MedGen C0950123, MeSH D030342.

gnomAD v4.1: 21 of 1,611,524 alleles (0.0013%); highest among the groups gnomAD compares: East Asian, 0.0089%; no homozygotes.

Submissions (2):

PreventionGenetics, part of Exact Sciences
Classification: Uncertain significance for RP1L1-related condition. Last evaluated: 2025-12-10. Review status: criteria provided, single submitter. Criteria: ACMG Guidelines, 2015. Collection method: clinical testing. Allele origin: germline.
Comment: The RP1L1 c.2747G>A variant is predicted to result in the amino acid substitution p.Gly916Asp. To our knowledge, this variant has not been reported in the literature. This variant is reported in 0.017% of alleles in individuals of East Asian descent in gnomAD. At this time, the clinical significance of this variant is uncertain due to the absence of conclusive functional and genetic evidence.

Ambry Genetics
Classification: Likely benign for Inborn genetic diseases. Last evaluated: 2025-08-06. Review status: criteria provided, single submitter. Criteria: Ambry Variant Classification Scheme 2023. Collection method: clinical testing. Allele origin: germline.

NM_178857.6(RP1L1):c.2747G>A (p.Gly916Asp)

Gene: RP1L1 (RP1 like 1). Cytogenetic location: 8p23.1.
Variant type: single nucleotide variant.
Coding change: c.2747G>A on transcript NM_178857.6 (MANE Select); coding-DNA position 2747, G replaced by A.
Protein change: p.Gly916Asp; replaces glycine 916 with aspartic acid.
Molecular consequence: missense variant.
Genome position (GRCh38, 1-based): chr8:10,611,351, C>T on the plus strand (G>A on the coding strand, the complement: RP1L1 is on the minus strand). VCF-style: chr8-10611351-C-T. GRCh37 (hg19) VCF-style: chr8-10468861-C-T.
Other names: short protein forms G916D.
Identifiers: ClinVar variation 4156223 (VCV004156223.2).